The following is an entry in ClinVar:

ClinVar aggregate classification (germline): Uncertain significance (1 of 4 stars; one submission).

Conditions:
Autosomal recessive severe congenital neutropenia due to CSF3R deficiency. Also called: Neutropenia, severe congenital, 7, autosomal recessive. Identifiers: Orphanet 420702, MedGen C4310764, MONDO:0014865, OMIM 617014.

Submission:

Labcorp Genetics (formerly Invitae), Labcorp
Classification: Uncertain significance for Autosomal recessive severe congenital neutropenia due to CSF3R deficiency. Last evaluated: 2024-07-22. Review status: criteria provided, single submitter. Criteria: Invitae Variant Classification Sherloc (09022015). Collection method: clinical testing. Allele origin: germline.
Comment: This sequence change replaces threonine, which is neutral and polar, with isoleucine, which is neutral and non-polar, at codon 697 of the CSF3R protein (p.Thr697Ile). This variant is not present in population databases (gnomAD no frequency). This variant has not been reported in the literature in individuals affected with CSF3R-related conditions. Advanced modeling of protein sequence and biophysical properties (such as structural, functional, and spatial information, amino acid conservation, physicochemical variation, residue mobility, and thermodynamic stability) performed at Invitae indicates that this missense variant is not expected to disrupt CSF3R protein function with a negative predictive value of 80%. In summary, the available evidence is currently insufficient to determine the role of this variant in disease. Therefore, it has been classified as a Variant of Uncertain Significance.

NM_000760.4(CSF3R):c.2090C>T (p.Thr697Ile)

Gene: CSF3R (colony stimulating factor 3 receptor; minus strand). Cytogenetic location: 1p34.3.
Variant type: single nucleotide variant.
Coding change: c.2090C>T on transcript NM_000760.4 (MANE Select); coding-DNA position 2090, C replaced by T.
Protein change: p.Thr697Ile; replaces threonine 697 with isoleucine.
Molecular consequence: missense variant.
Genome position (GRCh38, 1-based): chr1:36,466,778, G>A on the plus strand (C>T on the coding strand, the complement: CSF3R is on the minus strand). VCF-style: chr1-36466778-G-A. GRCh37 (hg19) VCF-style: chr1-36932379-G-A.
Other names: c.2171C>T, p.Thr724Ile (NM_156039.3); c.2090C>T, p.Thr697Ile (NM_172313.3); short protein forms T724I, T697I.
Identifiers: ClinVar variation 3660207 (VCV003660207.2).